The following is an entry in ClinVar:

ClinVar aggregate classification (germline): Likely benign (0 of 4 stars; one submission).

Conditions:
IRS4-related disorder. Also called: IRS4-related condition.

Allele frequency attached by ClinVar (database versions not stated): ExAC 0.00031; gnomAD 0.00067; 1000 Genomes Project 0.00079; TOPMed 0.00082; 1000 Genomes Project 30x 0.00083; ESP Exome Variant Server 0.00085.
gnomAD v4.1: 179 of 1,210,101 alleles (0.015%); highest among the groups gnomAD compares: African/African-American, 0.26%; no homozygotes.

Submission:

PreventionGenetics, part of Exact Sciences
Classification: Likely benign for IRS4-related condition. Last evaluated: 2020-10-26. Review status: no assertion criteria provided. Collection method: clinical testing. Allele origin: germline.
Comment: This variant is classified as likely benign based on ACMG/AMP sequence variant interpretation guidelines (Richards et al. 2015 PMID: 25741868, with internal and published modifications).

NM_001379150.1(IRS4):c.3025G>T (p.Ala1009Ser)

Gene: IRS4 (insulin receptor substrate 4; minus strand). Cytogenetic location: Xq22.3.
Variant type: single nucleotide variant.
Coding change: c.3025G>T on transcript NM_001379150.1 (MANE Select); coding-DNA position 3025, G replaced by T.
Protein change: p.Ala1009Ser; replaces alanine 1009 with serine.
Molecular consequence: missense variant.
Genome position (GRCh38, 1-based): chrX:108,733,320, C>A on the plus strand (G>T on the coding strand, the complement: IRS4 is on the minus strand). VCF-style: chrX-108733320-C-A. GRCh37 (hg19) VCF-style: chrX-107976550-C-A.
Other names: c.3025G>T, p.Ala1009Ser (NM_003604.2); short protein forms A1009S.
Identifiers: ClinVar variation 3060972 (VCV003060972.2), dbSNP rs142159004, ClinGen allele CA10489583.